The following is an entry in ClinVar:

ClinVar aggregate classification (germline): Pathogenic/Likely pathogenic. Review status: criteria provided, multiple submitters, no conflicts (2 of 4 stars). 27 submissions from 24 submitters: Pathogenic (16); Likely pathogenic (6). 5 of the submissions do not count toward it. Last evaluated 2026-01-24.

Conditions:
Connective tissue disorder. Also called: Connective tissue disease. Identifiers: MedGen C0009782, MONDO:0003900.
SLC26A2-related disorder. Also called: SLC26A2-related disorders; SLC26A2-related condition. Identifiers: MedGen CN239404.
Achondrogenesis, type IB (ACG1B). Also called: Achondrogenesis Type 1B. Identifiers: Orphanet 932, Orphanet 93298, MedGen C0265274, MONDO:0010966, OMIM 600972.
Diastrophic dysplasia (DTD). Also called: Diastrophic dwarfism. Identifiers: Orphanet 628, MedGen C0220726, MONDO:0009107, OMIM 222600.
Multiple epiphyseal dysplasia type 4 (EDM4). Also called: Multiple Epiphyseal Dysplasia, Recessive; MULTIPLE EPIPHYSEAL DYSPLASIA WITH BILAYERED PATELLAE; MULTIPLE EPIPHYSEAL DYSPLASIA WITH CLUBFOOT; MULTIPLE EPIPHYSEAL DYSPLASIA, AUTOSOMAL RECESSIVE; SLC26A2-Related Multiple Epiphyseal Dysplasia. Identifiers: Orphanet 93307, MedGen C1847593, MONDO:0009189, OMIM 226900.
Atelosteogenesis type II (AO2). Also called: NEONATAL OSSEOUS DYSPLASIA I; SLC26A2-Related Atelosteogenesis; Neonatal osseous dysplasia 1. Identifiers: Orphanet 56304, MedGen C1850554, MONDO:0009727, OMIM 256050.
Sulfate transporter-related osteochondrodysplasia. Also called: DTDST-related dysplasias. Identifiers: MedGen CN120497. Disease mechanism: loss of function.
3MC syndrome 2. Also called: OCULO-SKELETAL-ABDOMINAL SYNDROME; OSA SYNDROME; PTOSIS OF EYELIDS WITH DIASTASIS RECTI AND HIP DYSPLASIA. Identifiers: Orphanet 293843, MedGen C0796279, MONDO:0009927, OMIM 265050.

Allele frequency attached by ClinVar (database versions not stated): TOPMed 0.00008; ExAC 0.00010; gnomAD exomes 0.00011; gnomAD 0.00013 and 0.00014.

Submissions 1 to 12 of 27:

Labcorp Genetics (formerly Invitae), Labcorp
Classification: Pathogenic for Atelosteogenesis type II; Multiple epiphyseal dysplasia type 4; Achondrogenesis, type IB; Diastrophic dysplasia. Last evaluated: 2026-01-24. Review status: criteria provided, single submitter. Criteria: Invitae Variant Classification Sherloc (09022015). Collection method: clinical testing. Allele origin: germline.
Comment: This sequence change replaces cysteine, which is neutral and slightly polar, with serine, which is neutral and polar, at codon 653 of the SLC26A2 protein (p.Cys653Ser). This variant is present in population databases (rs104893924, gnomAD 0.03%). This missense change has been observed in individuals with diastrophic dysplasia or epiphyseal dysplasia (PMID: 11241838, 12966518, 20525296, 21077204). It has also been observed to segregate with disease in related individuals. ClinVar contains an entry for this variant (Variation ID: 4098). Invitae Evidence Modeling of protein sequence and biophysical properties (such as structural, functional, and spatial information, amino acid conservation, physicochemical variation, residue mobility, and thermodynamic stability) indicates that this missense variant is expected to disrupt SLC26A2 protein function with a positive predictive value of 80%. Experimental studies have shown that this missense change affects SLC26A2 function (PMID: 15294877). For these reasons, this variant has been classified as Pathogenic.

3billion
Classification: Pathogenic for SLC26A2-related disorder. Last evaluated: 2025-12-08. Review status: criteria provided, single submitter. Criteria: ACMG Guidelines, 2015. Collection method: clinical testing. Allele origin: germline. Affected: yes.
Comment: The variant is observed at an extremely low frequency in the gnomAD v4.1.0 dataset (total allele frequency: 0.011%). Predicted Consequence/Location: Missense variant. The majority of the known disease-causing variants of this gene are variants expected to result in premature termination of the protein. Functional studies provide moderate evidence of the variant having a damaging effect on the gene or gene product (PMID: 15294877). In silico tool predictions suggest damaging effect of the variant on gene or gene product [REVEL: 0.86 (>=0.6, sensitivity 0.68 and specificity 0.92); 3Cnet: 0.82 (> 0.75, sensitivity 0.96 and precision 0.92)]. The same nucleotide change resulting in the same amino acid change has been previously reported as pathogenic/likely pathogenic with strong evidence (ClinVar ID: VCV000004098 /PMID: 11241838). The variant has been reported to be in trans with a pathogenic variant as either compound heterozygous or homozygous in at least 4 similarly affected unrelated individuals (PMID: 12966518, 20525296, 21077204, 21922596). Different missense changes at the same codon (p.Cys653Gly, p.Cys653Tyr) have been reported as pathogenic/likely pathogenic with strong evidence (ClinVar ID: VCV001506360, VCV001994865). Therefore, this variant is classified as Pathogenic according to the recommendation of ACMG/AMP guideline.

Natera, Inc.
Classification: Pathogenic for Achondrogenesis type IB. Last evaluated: 2025-11-19. Review status: criteria provided, single submitter. Criteria: Natera Variant Classification Schema (03/2026). Collection method: clinical testing. Allele origin: germline.
Comment: The c.1957T>A variant in SLC26A2 is a missense variant predicted to cause substitution of cysteine to serine at amino acid 653. This variant is rare in the general population with a frequency below the threshold expected for the associated phenotype(s). This variant has been observed in one or more individuals affected with the associated recessive disease, as either homozygous or compound heterozygous with a second variant (PMID: 36140680). Computational prediction algorithms indicate this variant is likely to affect gene or protein function. Given the available evidence, this variant is classified as Pathogenic.

CeGaT Center for Human Genetics Tuebingen
Classification: Likely pathogenic. Last evaluated: 2025-11-01. Review status: criteria provided, single submitter. Criteria: CeGaT Center For Human Genetics Tuebingen Variant Classification Criteria Version 2. Collection method: clinical testing. Allele origin: germline. Affected: yes. Observed: 8 variant alleles.
Comment: SLC26A2: PM3:Strong, PM2, PS3:Supporting

Laboratory of Genetics, Children's Clinical University Hospital Latvia
Classification: Pathogenic. Last evaluated: 2025-02-16. Review status: criteria provided, single submitter. Criteria: ACMG Guidelines, 2015. Collection method: clinical testing. Allele origin: germline. Affected: yes.

Revvity Omics, Revvity
Classification: Pathogenic. Last evaluated: 2024-11-13. Review status: criteria provided, single submitter. Criteria: ACMG Guidelines, 2015. Collection method: clinical testing. Allele origin: germline.

Blueprint Genetics
Classification: Pathogenic for SLC26A2-related disorders. Last evaluated: 2024-11-01. Review status: criteria provided, single submitter. Criteria: ACMG Guidelines, 2015. Collection method: clinical testing. Allele origin: germline. Affected: yes. Observed: 5 variant alleles.

Fulgent Genetics
Classification: Pathogenic for Diastrophic dysplasia; Multiple epiphyseal dysplasia type 4; Atelosteogenesis type II; Achondrogenesis, type IB. Last evaluated: 2024-05-08. Review status: criteria provided, single submitter. Criteria: ACMG Guidelines, 2015. Collection method: clinical testing. Allele origin: germline.

Baylor Genetics
Classification: Pathogenic for Achondrogenesis, type IB. Last evaluated: 2024-03-30. Review status: criteria provided, single submitter. Criteria: ACMG Guidelines, 2015. Collection method: clinical testing. Allele origin: unknown.

GeneDx
Classification: Pathogenic. Last evaluated: 2023-01-13. Review status: criteria provided, single submitter. Criteria: GeneDx Variant Classification Process June 2021. Collection method: clinical testing. Allele origin: germline. Affected: yes.
Comment: In silico analysis, which includes protein predictors and evolutionary conservation, supports a deleterious effect; Published functional studies revealed significantly reduced protein expression in cells with mutant protein, as compared to wild type cells (Karniski et al., 2004); This variant is associated with the following publications: (PMID: 12966518, 30578734, 35026467, 21077204, 20525296, 11241838, 21922596, 11448940, 29724173, 30423444, 29758562, 30462520, 28941661, 30080953, 31980526, 31589614, 33724725, 21155763, 34064542, 33728303, 32633442, 34958143, 34974531, 15294877, 12525546)

Dasa
Classification: Pathogenic for SLC26A2-related disorder. Last evaluated: 2022-01-05. Review status: criteria provided, single submitter. Criteria: ACMG Guidelines, 2015. Collection method: clinical testing. Allele origin: germline. Affected: yes. Observed: 1 variant allele.
Comment: The c.1957T>A;p.(Cys653Ser) missense variant has been observed in affected individual(s) and ClinVar contains an entry for this variant (Clinvar ID: 4098; PMID: 20301524; 11241838; 12966518; 20525296; 21077204; 21922596) - PS4. Well-established in vitro or in vivo functional studies support a damaging effect on the gene or gene product (PMID: 11448940; 15294877) - PS3_moderate. The variant is present at low allele frequencies population databases (rs104893924– gnomAD 0.001249%; ABraOM no frequency) - PM2_supporting. The p.(Cys653Ser) was detected in trans with a pathogenic variant (PMID: 12966518; 20525296; 21077204; 21922596) - PM3_strong. The variant co-segregated with disease in multiple affected family members (PMID: 21077204) - PP1. In summary, the currently available evidence indicates that the variant is pathogenic.

Department of Pathology and Laboratory Medicine, Sinai Health System
Classification: Pathogenic for Diastrophic dysplasia; Multiple epiphyseal dysplasia type 4; Atelosteogenesis type II; Achondrogenesis, type IB. Last evaluated: 2021-12-23. Review status: criteria provided, single submitter. Criteria: ACMG Guidelines, 2015. Collection method: research. Allele origin: germline.

NM_000112.4(SLC26A2):c.1957T>A (p.Cys653Ser)

Gene: SLC26A2 (solute carrier family 26 member 2; plus strand). Cytogenetic location: 5q32.
Variant type: single nucleotide variant.
Coding change: c.1957T>A on transcript NM_000112.4 (MANE Select); coding-DNA position 1957, T replaced by A.
Protein change: p.Cys653Ser; replaces cysteine 653 with serine.
Molecular consequence: missense variant.
Genome position (GRCh38, 1-based): chr5:149,981,550, T>A. VCF-style: chr5-149981550-T-A. GRCh37 (hg19) VCF-style: chr5-149361113-T-A.
Other names: short protein forms C653S.
Identifiers: ClinVar variation 4098 (VCV000004098.86), dbSNP rs104893924, ClinGen allele CA252996.
Genomic context (GRCh38, chr5:149,981,550, plus strand): 5'-GATGAAATGTCAGTGCAACTTTCCCATGATCCCTTGGAGCTGCATACTATAGTGATTGAC[T>A]GCAGTGCAATTCAATTTTTAGATACAGCAGGGATCCACACACTGAAAGAAGTTCGCAGAG-3'
Protein context (NP_000103.2, residues 643-663): PLELHTIVID[Cys653Ser]SAIQFLDTAG